The following is an entry in ClinVar:

NC_000004.12:g.1113690T>C

Genes: RNF212 (ring finger protein 212; minus strand), LOC105374344 (uncharacterized LOC105374344; plus strand). Cytogenetic location: 4p16.3.
Variant type: single nucleotide variant.
Molecular consequence: non-coding transcript variant (on NR_134676.1).
Genome position: GRCh38 VCF-style: chr4-1113690-T-C. GRCh37 (hg19) VCF-style: chr4-1107478-T-C.
Identifiers: ClinVar variation 984916 (VCV000984916.3), dbSNP rs62296477, ClinGen allele CA91160392.

ClinVar aggregate classification (germline): risk factor (0 of 4 stars; one submission).

Conditions:
Down syndrome (DS). Also called: T21. Identifiers: Orphanet 870, MedGen C0013080, MONDO:0008608, OMIM 190685. Disease mechanism: Meiosis non dynjunction. Inheritance: Chromosomal.

Allele frequency attached by ClinVar (database versions not stated): 1000 Genomes Project 30x 0.58182; 1000 Genomes Project 0.58866; TOPMed 0.60654; gnomAD 0.61416 and 0.61955; gnomAD exomes 0.72581.
gnomAD v4.1: 310,605 of 450,800 alleles (69%); highest among the groups gnomAD compares: Non-Finnish European, 75%; 111,018 homozygotes.

Submission:

Cytogenetics & Genomics Research Unit, University of Calcutta
Classification: risk factor for Down syndrome. Last evaluated: 2019-09-10. Review status: no assertion criteria provided. Collection method: case-control. Allele origin: maternal. Affected: yes. Observed: 680 variant alleles, 425 heterozygotes, 140 compound heterozygotes, 115 homozygotes.
Comment: This was a variant found in the promoter region of RNF212 from mothers that has down syndrome child. We anticipate this variant as a significant risk factor.